The following is an entry in ClinVar:

ClinVar aggregate classification (germline): Uncertain significance (1 of 4 stars; one submission).

Conditions:
Inborn genetic diseases. Identifiers: MedGen C0950123, MeSH D030342.

gnomAD v4.1: 1 of 1,608,304 alleles (0.000062%); highest among the groups gnomAD compares: Admixed American, 0.0017%; no homozygotes.

Submission:

Ambry Genetics
Classification: Uncertain significance for Inborn genetic diseases. Last evaluated: 2025-11-23. Review status: criteria provided, single submitter. Criteria: Ambry Variant Classification Scheme 2023. Collection method: clinical testing. Allele origin: germline.
Comment: The p.I641V variant (also known as c.1921A>G), located in coding exon 13 of the ASXL1 gene, results from an A to G substitution at nucleotide position 1921. The isoleucine at codon 641 is replaced by valine, an amino acid with highly similar properties. This amino acid position is conserved. In addition, this alteration is predicted to be tolerated by in silico analysis. Based on the available evidence, the clinical significance of this variant remains unclear.

NM_015338.6(ASXL1):c.1921A>G (p.Ile641Val)

Gene: ASXL1 (ASXL transcriptional regulator 1; plus strand). Cytogenetic location: 20q11.21.
Variant type: single nucleotide variant.
Coding change: c.1921A>G on transcript NM_015338.6 (MANE Select); coding-DNA position 1921, A replaced by G.
Protein change: p.Ile641Val; replaces isoleucine 641 with valine.
Molecular consequence: missense variant.
Genome position (GRCh38, 1-based): chr20:32,434,633, A>G. VCF-style: chr20-32434633-A-G. GRCh37 (hg19) VCF-style: chr20-31022436-A-G.
Other names: c.1738A>G, p.Ile580Val (NM_001363734.1); short protein forms I641V, I580V.
Identifiers: ClinVar variation 4588677 (VCV004588677.1).
Genomic context (GRCh38, chr20:32,434,633, plus strand): 5'-GCTCTGCAGGTCCGAGGGGCGAGAGGTCACCACTGCCATAGAGAGGCGGCCACCACTGCC[A>G]TCGGAGGGGGGGGTGGCCCGGGTGGAGGTGGCGGCGGGGCCACCGATGAGGGAGGTGGCA-3'
Protein context (NP_056153.2, residues 631-651): HCHREAATTA[Ile641Val]GGGGGPGGGG